The following is an entry in ClinVar:

NM_001844.5(COL2A1):c.4443dup (p.Gly1482fs)

Gene: COL2A1 (collagen type II alpha 1 chain; minus strand). Cytogenetic location: 12q13.11.
Variant type: Duplication.
Coding change: c.4443dup on transcript NM_001844.5 (MANE Select); coding-DNA position 4443, one base duplicated (A; older notation c.4443dupA).
Protein change: p.Gly1482fs; shifts the reading frame from glycine 1482.
Molecular consequence: frameshift variant.
Genome position (GRCh38, 1-based): chr12:47,973,428, T duplicated on the plus strand (A on the coding strand, the reverse complement: COL2A1 is on the minus strand). VCF-style (leftmost placement, unchanged base first): chr12-47973427-C-CT. GRCh37 (hg19) VCF-style: chr12-48367210-C-CT.
Other names: c.4236dup, p.Gly1413fs (NM_033150.3); short protein forms G1482fs, G1413fs.
Identifiers: ClinVar variation 2694605 (VCV002694605.3), dbSNP rs2540091081, ClinGen allele CA2697559206.

ClinVar aggregate classification (germline): Pathogenic (1 of 4 stars; one submission).

Submission:

Labcorp Genetics (formerly Invitae), Labcorp
Classification: Pathogenic. Last evaluated: 2023-11-17. Review status: criteria provided, single submitter. Criteria: Invitae Variant Classification Sherloc (09022015). Collection method: clinical testing. Allele origin: germline.
Comment: This sequence change results in a frameshift in the COL2A1 gene (p.Gly1482Argfs*10). While this is not anticipated to result in nonsense mediated decay, it is expected to disrupt the last 6 amino acid(s) of the COL2A1 protein and extend the protein by 3 additional amino acid residues. This variant is not present in population databases (gnomAD no frequency). This variant has not been reported in the literature in individuals affected with COL2A1-related conditions. This variant disrupts a region of the COL2A1 protein in which other variant(s) (p.Cys1485Arg) have been determined to be pathogenic (PMID: 31019026). This suggests that this is a clinically significant region of the protein, and that variants that disrupt it are likely to be disease-causing. For these reasons, this variant has been classified as Pathogenic.

Literature cited by the submitters: PubMed 31019026.